The following is an entry in ClinVar:

ClinVar aggregate classification (germline): Uncertain significance. Review status: criteria provided, multiple submitters, no conflicts (2 of 4 stars). 2 submissions from 2 submitters: Uncertain significance (2). Last evaluated 2025-09-16.

Conditions:
Microcephaly, growth restriction, and increased sister chromatid exchange 2. Identifiers: MedGen C4748176, MONDO:0020628, OMIM 618097.

Allele frequency attached by ClinVar (database versions not stated): gnomAD exomes 0.00001.
gnomAD v4.1: 10 of 1,614,082 alleles (0.00062%); highest among the groups gnomAD compares: East Asian, 0.0045%; no homozygotes.

Submissions (2):

Labcorp Genetics (formerly Invitae), Labcorp
Classification: Uncertain significance. Last evaluated: 2025-09-16. Review status: criteria provided, single submitter. Criteria: Invitae Variant Classification Sherloc (09022015). Collection method: clinical testing. Allele origin: germline.
Comment: This sequence change replaces arginine, which is basic and polar, with cysteine, which is neutral and slightly polar, at codon 686 of the TOP3A protein (p.Arg686Cys). This variant is present in population databases (no rsID available, gnomAD 0.01%). This variant has not been reported in the literature in individuals affected with TOP3A-related conditions. ClinVar contains an entry for this variant (Variation ID: 1028283). An algorithm developed to predict the effect of missense changes on protein structure and function (PolyPhen-2) suggests that this variant is likely to be disruptive. In summary, the available evidence is currently insufficient to determine the role of this variant in disease. Therefore, it has been classified as a Variant of Uncertain Significance.

Baylor Genetics
Classification: Uncertain significance for Microcephaly, growth restriction, and increased sister chromatid exchange 2. Last evaluated: 2020-06-03. Review status: criteria provided, single submitter. Criteria: ACMG Guidelines, 2015. Collection method: clinical testing. Allele origin: unknown. Affected: yes.
Comment: This variant was determined to be of uncertain significance according to ACMG Guidelines, 2015 [PMID:25741868].

NM_004618.5(TOP3A):c.2056C>T (p.Arg686Cys)

Gene: TOP3A (DNA topoisomerase III alpha; minus strand). Cytogenetic location: 17p11.2.
Variant type: single nucleotide variant.
Coding change: c.2056C>T on transcript NM_004618.5 (MANE Select); coding-DNA position 2056, C replaced by T.
Protein change: p.Arg686Cys; replaces arginine 686 with cysteine.
Molecular consequence: missense variant.
Genome position (GRCh38, 1-based): chr17:18,280,624, G>A on the plus strand (C>T on the coding strand, the complement: TOP3A is on the minus strand). VCF-style: chr17-18280624-G-A. GRCh37 (hg19) VCF-style: chr17-18183938-G-A.
Other names: c.1771C>T, p.Arg591Cys (NM_001320759.2); short protein forms R686C, R591C.
Identifiers: ClinVar variation 1028283 (VCV001028283.5), dbSNP rs1239276927, ClinGen allele CA398626856.